The following is an entry in ClinVar:

ClinVar aggregate classification (germline): Uncertain significance. Review status: criteria provided, multiple submitters, no conflicts (2 of 4 stars). 2 submissions from 2 submitters: Uncertain significance (2). Last evaluated 2025-08-08.

Conditions:
Osteogenesis imperfecta type 8 (OI8). Identifiers: MedGen C1970458, MONDO:0012581, OMIM 610915.
Inborn genetic diseases. Identifiers: MedGen C0950123, MeSH D030342.

Allele frequency attached by ClinVar (database versions not stated): gnomAD 0.00001 and 0.00002; ExAC 0.00002; gnomAD exomes 0.00002 and 0.00003; 1000 Genomes Project 0.00040; 1000 Genomes Project 30x 0.00047.
gnomAD v4.1: 37 of 1,614,138 alleles (0.0023%); highest among the groups gnomAD compares: African/African-American, 0.008%; no homozygotes.

Submissions (2):

Ambry Genetics
Classification: Uncertain significance for Inborn genetic diseases. Last evaluated: 2025-08-08. Review status: criteria provided, single submitter. Criteria: Ambry Variant Classification Scheme 2023. Collection method: clinical testing. Allele origin: germline.

Labcorp Genetics (formerly Invitae), Labcorp
Classification: Uncertain significance for Osteogenesis imperfecta type 8. Last evaluated: 2022-09-12. Review status: criteria provided, single submitter. Criteria: Invitae Variant Classification Sherloc (09022015). Collection method: clinical testing. Allele origin: germline.
Comment: This sequence change replaces arginine, which is basic and polar, with glutamine, which is neutral and polar, at codon 501 of the P3H1 protein (p.Arg501Gln). This variant is present in population databases (rs557547513, gnomAD 0.02%). This variant has not been reported in the literature in individuals affected with P3H1-related conditions. ClinVar contains an entry for this variant (Variation ID: 1407517). Advanced modeling of protein sequence and biophysical properties (such as structural, functional, and spatial information, amino acid conservation, physicochemical variation, residue mobility, and thermodynamic stability) performed at Invitae indicates that this missense variant is not expected to disrupt P3H1 protein function. In summary, the available evidence is currently insufficient to determine the role of this variant in disease. Therefore, it has been classified as a Variant of Uncertain Significance.

NM_022356.4(P3H1):c.1502G>A (p.Arg501Gln)

Gene: P3H1 (prolyl 3-hydroxylase 1; minus strand). Cytogenetic location: 1p34.2.
Variant type: single nucleotide variant.
Coding change: c.1502G>A on transcript NM_022356.4 (MANE Select); coding-DNA position 1502, G replaced by A.
Protein change: p.Arg501Gln; replaces arginine 501 with glutamine.
Molecular consequence: missense variant.
Genome position (GRCh38, 1-based): chr1:42,752,341, C>T on the plus strand (G>A on the coding strand, the complement: P3H1 is on the minus strand). VCF-style: chr1-42752341-C-T. GRCh37 (hg19) VCF-style: chr1-43218012-C-T.
Other names: c.1502G>A, p.Arg501Gln (NM_001146289.2, NM_001243246.2); c.1502G>A (NM_022356.3); short protein forms R501Q.
Identifiers: ClinVar variation 1407517 (VCV001407517.4), dbSNP rs557547513, ClinGen allele CA801814.
Genomic context (GRCh38, chr1:42,752,341, plus strand): 5'-GCTTTGAAGACAGTGACACCATAGAACTTTTCATTGGGAGTATGTGGGGAGGTCTGACCC[C>T]GGTAGCCATCTCCTGAGGTTGCTGCCACCTACAAGGCCCAAAACACAAGGTGATGTTAGC-3'
Protein context (NP_071751.3, residues 491-511): NVAATSGDGY[Arg501Gln]GQTSPHTPNE